The following is an entry in ClinVar:

NM_004006.3(DMD):c.8890G>T (p.Gly2964Cys)

Gene: DMD (dystrophin; minus strand). Cytogenetic location: Xp21.2.
Variant type: single nucleotide variant.
Coding change: c.8890G>T on transcript NM_004006.3 (MANE Select); coding-DNA position 8890, G replaced by T.
Protein change: p.Gly2964Cys; replaces glycine 2964 with cysteine.
Molecular consequence: missense variant.
Genome position (GRCh38, 1-based): chrX:31,478,153, C>A on the plus strand (G>T on the coding strand, the complement: DMD is on the minus strand). VCF-style: chrX-31478153-C-A. GRCh37 (hg19) VCF-style: chrX-31496270-C-A.
Other names: c.8866G>T, p.Gly2956Cys (NM_000109.4); c.8878G>T, p.Gly2960Cys (NM_004009.3); c.8521G>T, p.Gly2841Cys (NM_004010.3); c.4867G>T, p.Gly1623Cys (NM_004011.4); c.4858G>T, p.Gly1620Cys (NM_004012.4); c.1510G>T, p.Gly504Cys (NM_004013.3, NM_004020.4, NM_004021.3 and 2 more transcripts); c.703G>T, p.Gly235Cys (NM_004014.3); short protein forms G2964C, G1620C, G2956C, G2960C, G1623C, G235C, G2841C, G504C.
Identifiers: ClinVar variation 499319 (VCV000499319.21), dbSNP rs368114420, ClinGen allele CA328434400.

ClinVar aggregate classification (germline): Conflicting classifications of pathogenicity. Review status: criteria provided, conflicting classifications (1 of 4 stars). 7 submissions from 7 submitters: Uncertain significance (5); Likely benign (1). 1 of the submissions does not count toward it. Last evaluated 2025-09-22.

Conditions:
Duchenne muscular dystrophy (DMD). Also called: MUSCULAR DYSTROPHY, PSEUDOHYPERTROPHIC PROGRESSIVE, DUCHENNE TYPE; Duchenne Muscular Dystrophy (DMD). Identifiers: Orphanet 98896, MedGen C0013264, MONDO:0010679, OMIM 310200.
Cardiovascular phenotype. Identifiers: MedGen CN230736.
DMD-related disorder. Also called: DMD-related condition.

Allele frequency attached by ClinVar (database versions not stated): gnomAD exomes below 0.00001 and 0.00001; gnomAD 0.00002; TOPMed 0.00005; ESP Exome Variant Server 0.00009.
gnomAD v4.1: 7 of 1,208,398 alleles (0.00058%); highest among the groups gnomAD compares: African/African-American, 0.0035%; no homozygotes.

Submissions (7):

Labcorp Genetics (formerly Invitae), Labcorp
Classification: Likely benign for Duchenne muscular dystrophy. Last evaluated: 2025-09-22. Review status: criteria provided, single submitter. Criteria: Invitae Variant Classification Sherloc (09022015). Collection method: clinical testing. Allele origin: germline.

Ambry Genetics
Classification: Uncertain significance for Cardiovascular phenotype. Last evaluated: 2025-03-29. Review status: criteria provided, single submitter. Criteria: Ambry Variant Classification Scheme 2023. Collection method: clinical testing. Allele origin: germline.
Comment: The p.G2964C variant (also known as c.8890G>T), located in coding exon 59 of the DMD gene, results from a G to T substitution at nucleotide position 8890. The glycine at codon 2964 is replaced by cysteine, an amino acid with highly dissimilar properties. Based on data from gnomAD, the T allele has an overall frequency of 0.0006% (1/179930) total alleles studied, with 1 hemizygotes observed. This amino acid position is highly conserved in available vertebrate species. In addition, this alteration is predicted to be deleterious by in silico analysis. Since supporting evidence is limited at this time, the clinical significance of this alteration remains unclear.

Revvity Omics, Revvity
Classification: Uncertain significance. Last evaluated: 2025-01-21. Review status: criteria provided, single submitter. Criteria: ACMG Guidelines, 2015. Collection method: clinical testing. Allele origin: germline.

GeneDx
Classification: Uncertain significance. Last evaluated: 2024-07-22. Review status: criteria provided, single submitter. Criteria: GeneDx Variant Classification Process June 2021. Collection method: clinical testing. Allele origin: germline. Affected: yes.
Comment: Has not been previously published as pathogenic or benign to our knowledge; In silico analysis supports that this missense variant has a deleterious effect on protein structure/function

Mayo Clinic Laboratories, Mayo Clinic
Classification: Uncertain significance. Last evaluated: 2020-04-16. Review status: criteria provided, single submitter. Criteria: ACMG Guidelines, 2015. Collection method: clinical testing. Allele origin: germline. Observed: 1 variant allele.

Eurofins Ntd Llc (ga)
Classification: Uncertain significance. Last evaluated: 2017-01-03. Review status: criteria provided, single submitter. Criteria: EGL Classification Definitions 2015. Collection method: clinical testing. Allele origin: germline. Observed: 1 variant allele, 1 hemizygote.

PreventionGenetics, part of Exact Sciences
Classification: Likely benign for DMD-related condition. Last evaluated: 2024-06-06. Review status: no assertion criteria provided. Collection method: clinical testing. Allele origin: germline. Not counted in ClinVar's aggregate classification.
Comment: This variant is classified as likely benign based on ACMG/AMP sequence variant interpretation guidelines (Richards et al. 2015 PMID: 25741868, with internal and published modifications).